The following is an entry in ClinVar:

ClinVar aggregate classification (germline): Likely pathogenic (1 of 4 stars; one submission).

Submission:

Dasa
Classification: Likely pathogenic. Last evaluated: 2025-11-21. Review status: criteria provided, single submitter. Criteria: DASA Assertion Criteria. Collection method: clinical testing. Allele origin: germline.
Comment: NM_005359.6(SMAD4):c.424+2del affects a canonical splice site and is predicted to disrupt normal RNA splicing. Loss of function is an established disease mechanism for SMAD4 (PMID: 17873119; PMID: 20101697; PMID: 18823382). Also, this variant is absent from population databases. Based on the currently available evidence, this variant is classified as likely pathogenic.

Literature cited by the submitters: PubMed 17873119; PubMed 20101697; PubMed 18823382.

NM_005359.6(SMAD4):c.424+2del

Gene: SMAD4 (SMAD family member 4; plus strand). Cytogenetic location: 18q21.2.
Variant type: Deletion.
Coding change: c.424+2del on transcript NM_005359.6 (MANE Select); the canonical splice donor site of the intron after coding-DNA position 424, one base deleted (T; older notation c.424+2delT).
Molecular consequence: splice donor variant.
Genome position (GRCh38, 1-based): chr18:51,048,862, T deleted. VCF-style (leftmost placement, unchanged base first): chr18-51048861-GT-G. GRCh37 (hg19) VCF-style: chr18-48575231-GT-G.
Other names: c.424+2del (NM_001407042.1, NM_001407041.1, NM_001407043.1).
Identifiers: ClinVar variation 4880645 (VCV004880645.2).